The following is an entry in ClinVar:

NM_004655.4(AXIN2):c.1415A>G (p.His472Arg)

Gene: AXIN2 (axin 2; minus strand). Cytogenetic location: 17q24.1.
Variant type: single nucleotide variant.
Coding change: c.1415A>G on transcript NM_004655.4 (MANE Select); coding-DNA position 1415, A replaced by G.
Protein change: p.His472Arg; replaces histidine 472 with arginine.
Molecular consequence: missense variant.
Genome position (GRCh38, 1-based): chr17:65,537,621, T>C on the plus strand (A>G on the coding strand, the complement: AXIN2 is on the minus strand). VCF-style: chr17-65537621-T-C. GRCh37 (hg19) VCF-style: chr17-63533739-T-C.
Other names: c.1415A>G (LRG_296t1); c.1415A>G, p.His472Arg (NM_001363813.1); short protein forms H472R.
Identifiers: ClinVar variation 581265 (VCV000581265.14), dbSNP rs749012756, ClinGen allele CA8718653.

ClinVar aggregate classification (germline): Conflicting classifications of pathogenicity. Review status: criteria provided, conflicting classifications (1 of 4 stars). 3 submissions from 3 submitters: Uncertain significance (2); Likely benign (1). Last evaluated 2024-01-10.

Conditions:
Colorectal cancer. Also called: Colorectal cancer, somatic; Malignant Colorectal Neoplasm. Identifiers: MedGen C0346629, MONDO:0005575, OMIM 114500.
Hereditary cancer-predisposing syndrome. Also called: Neoplastic Syndromes, Hereditary; Tumor predisposition; Hereditary neoplastic syndrome; Hereditary Cancer Syndrome. Identifiers: Orphanet 140162, MedGen C0027672, MeSH D009386, MONDO:0015356.
Oligodontia-cancer predisposition syndrome. Also called: TOOTH AGENESIS-COLORECTAL CANCER SYNDROME. Identifiers: Orphanet 300576, MedGen C1837750, MONDO:0012075, OMIM 608615. Disease mechanism: loss of function.

Allele frequency attached by ClinVar (database versions not stated): ExAC below 0.00001; gnomAD exomes 0.00001.
gnomAD v4.1: 20 of 1,593,952 alleles (0.0013%); highest among the groups gnomAD compares: Non-Finnish European, 0.0016%; no homozygotes.

Submissions (3):

Ambry Genetics
Classification: Likely benign for Hereditary cancer-predisposing syndrome. Last evaluated: 2024-01-10. Review status: criteria provided, single submitter. Criteria: Ambry Variant Classification Scheme 2023. Collection method: clinical testing. Allele origin: germline.

Labcorp Genetics (formerly Invitae), Labcorp
Classification: Uncertain significance for Oligodontia-cancer predisposition syndrome. Last evaluated: 2023-12-22. Review status: criteria provided, single submitter. Criteria: Invitae Variant Classification Sherloc (09022015). Collection method: clinical testing. Allele origin: germline.
Comment: This sequence change replaces histidine, which is basic and polar, with arginine, which is basic and polar, at codon 472 of the AXIN2 protein (p.His472Arg). This variant is not present in population databases (gnomAD no frequency). This variant has not been reported in the literature in individuals affected with AXIN2-related conditions. ClinVar contains an entry for this variant (Variation ID: 581265). Algorithms developed to predict the effect of missense changes on protein structure and function output the following: SIFT: "Not Available"; PolyPhen-2: "Benign"; Align-GVGD: "Not Available". The arginine amino acid residue is found in multiple mammalian species, which suggests that this missense change does not adversely affect protein function. In summary, the available evidence is currently insufficient to determine the role of this variant in disease. Therefore, it has been classified as a Variant of Uncertain Significance.

Baylor Genetics
Classification: Uncertain significance for Colorectal cancer. Last evaluated: 2023-07-23. Review status: criteria provided, single submitter. Criteria: ACMG Guidelines, 2015. Collection method: clinical testing. Allele origin: unknown.